The following is an entry in ClinVar:

NM_001349253.2(SCN11A):c.3250C>T (p.Pro1084Ser)

Gene: SCN11A (sodium voltage-gated channel alpha subunit 11; minus strand). Cytogenetic location: 3p22.2.
Variant type: single nucleotide variant.
Coding change: c.3250C>T on transcript NM_001349253.2 (MANE Select); coding-DNA position 3250, C replaced by T.
Protein change: p.Pro1084Ser; replaces proline 1084 with serine.
Molecular consequence: missense variant.
Genome position (GRCh38, 1-based): chr3:38,880,093, G>A on the plus strand (C>T on the coding strand, the complement: SCN11A is on the minus strand). VCF-style: chr3-38880093-G-A. GRCh37 (hg19) VCF-style: chr3-38921584-G-A.
Other names: c.3250C>T, p.Pro1084Ser (NM_014139.3); short protein forms P1084S.
Identifiers: ClinVar variation 2101686 (VCV002101686.4), dbSNP rs1412726805, ClinGen allele CA352172793.
Genomic context (GRCh38, chr3:38,880,093, plus strand): 5'-CCAGGATAAAAATATGTGTAAAAATAATGTCAGTACAATTTAGTAATTCTTGGATTTTGG[G>A]TTGGTTCTCAAGGTGAACATCTTCAAATATCTGAAATGAAAAAGCATAGCCATAGGCCAG-3'
Protein context (NP_001336182.1, residues 1074-1094): IFEDVHLENQ[Pro1084Ser]KIQELLNCTD

ClinVar aggregate classification (germline): Uncertain significance (1 of 4 stars; one submission).

Conditions:
Hereditary sensory and autonomic neuropathy type 7. Also called: HSAN VII; Neuropathy, hereditary sensory and autonomic, type VII. Identifiers: Orphanet 391397, MedGen C3809882, MONDO:0014244, OMIM 615548.
Familial episodic pain syndrome with predominantly lower limb involvement. Also called: Episodic pain syndrome, familial, 3. Identifiers: Orphanet 391384, Orphanet 391392, MedGen C3809899, MONDO:0014247, OMIM 615552.

Allele frequency attached by ClinVar (database versions not stated): gnomAD exomes below 0.00001; TOPMed below 0.00001.
gnomAD v4.1: 2 of 1,611,562 alleles (0.00012%); highest among the groups gnomAD compares: Admixed American, 0.0033%; no homozygotes.

Submission:

Labcorp Genetics (formerly Invitae), Labcorp
Classification: Uncertain significance for Familial episodic pain syndrome with predominantly lower limb involvement; Hereditary sensory and autonomic neuropathy type 7. Last evaluated: 2025-07-21. Review status: criteria provided, single submitter. Criteria: Invitae Variant Classification Sherloc (09022015). Collection method: clinical testing. Allele origin: germline.
Comment: This sequence change replaces proline, which is neutral and non-polar, with serine, which is neutral and polar, at codon 1084 of the SCN11A protein (p.Pro1084Ser). This variant is present in population databases (no rsID available, gnomAD 0.006%). This variant has not been reported in the literature in individuals affected with SCN11A-related conditions. ClinVar contains an entry for this variant (Variation ID: 2101686). Invitae Evidence Modeling of protein sequence and biophysical properties (such as structural, functional, and spatial information, amino acid conservation, physicochemical variation, residue mobility, and thermodynamic stability) indicates that this missense variant is not expected to disrupt SCN11A protein function with a negative predictive value of 80%. In summary, the available evidence is currently insufficient to determine the role of this variant in disease. Therefore, it has been classified as a Variant of Uncertain Significance.